The following is an entry in ClinVar:

NM_001999.4(FBN2):c.7195T>A (p.Ser2399Thr)

Gene: FBN2 (fibrillin 2; minus strand). Cytogenetic location: 5q23.3.
Variant type: single nucleotide variant.
Coding change: c.7195T>A on transcript NM_001999.4 (MANE Select); coding-DNA position 7195, T replaced by A.
Protein change: p.Ser2399Thr; replaces serine 2399 with threonine.
Molecular consequence: missense variant.
Genome position (GRCh38, 1-based): chr5:128,278,785, A>T on the plus strand (T>A on the coding strand, the complement: FBN2 is on the minus strand). VCF-style: chr5-128278785-A-T. GRCh37 (hg19) VCF-style: chr5-127614477-A-T.
Other names: short protein forms S2399T.
Identifiers: ClinVar variation 519809 (VCV000519809.5), dbSNP rs1554117123, ClinGen allele CA360756609.

ClinVar aggregate classification (germline): Uncertain significance (1 of 4 stars; one submission).

Conditions:
Familial thoracic aortic aneurysm and aortic dissection (TAAD). Also called: Thoracic aortic aneurysms and dissections. Identifiers: Orphanet 91387, MedGen C4707243, MONDO:0019625.

Submission:

Ambry Genetics
Classification: Uncertain significance for Familial thoracic aortic aneurysm and aortic dissection. Last evaluated: 2016-01-19. Review status: criteria provided, single submitter. Criteria: Ambry Variant Classification Scheme 2023. Collection method: clinical testing. Allele origin: germline.
Comment: The p.S2399T variant (also known as c.7195T>A), located in coding exon 57 of the FBN2 gene, results from a T to A substitution at nucleotide position 7195. The serine at codon 2399 is replaced by threonine, an amino acid with similar properties. This variant was not reported in population based cohorts in the following databases: Database of Single Nucleotide Polymorphisms (dbSNP), NHLBI Exome Sequencing Project (ESP), and 1000 Genomes Project. In the ESP, this variant was not observed in 6503 samples (13006 alleles) with coverage at this position. This amino acid position is highly conserved in available vertebrate species. In addition, the in silico prediction for this alteration is inconclusive. Since supporting evidence is limited at this time, the clinical significance of this variant remains unclear.